The following is an entry in ClinVar:

ClinVar aggregate classification (germline): Uncertain significance (1 of 4 stars; one submission).

Submission:

Ambry Genetics
Classification: Uncertain significance. Last evaluated: 2025-05-19. Review status: criteria provided, single submitter. Criteria: Ambry Variant Classification Scheme 2023. Collection method: clinical testing. Allele origin: germline.
Comment: The p.E244G variant (also known as c.731A>G), located in coding exon 7 of the SRP72 gene, results from an A to G substitution at nucleotide position 731. The glutamic acid at codon 244 is replaced by glycine, an amino acid with similar properties. This amino acid position is conserved. In addition, this alteration is predicted to be deleterious by in silico analysis. Based on the available evidence, the clinical significance of this variant remains unclear.

NM_006947.4(SRP72):c.731A>G (p.Glu244Gly)

Gene: SRP72 (signal recognition particle 72; plus strand). Cytogenetic location: 4q12.
Variant type: single nucleotide variant.
Coding change: c.731A>G on transcript NM_006947.4 (MANE Select); coding-DNA position 731, A replaced by G.
Protein change: p.Glu244Gly; replaces glutamic acid 244 with glycine.
Molecular consequence: missense variant. On other transcripts: non-coding transcript variant (1), intron variant (1).
Genome position (GRCh38, 1-based): chr4:56,478,467, A>G. VCF-style: chr4-56478467-A-G. GRCh37 (hg19) VCF-style: chr4-57344633-A-G.
Other names: c.642+1765A>G (NM_001267722.2); short protein forms E244G.
Identifiers: ClinVar variation 3962111 (VCV003962111.1).